The following is an entry in ClinVar:

ClinVar aggregate classification (germline): Uncertain significance (1 of 4 stars; one submission).

Submission:

GeneDx
Classification: Uncertain significance. Last evaluated: 2024-04-08. Review status: criteria provided, single submitter. Criteria: GeneDx Variant Classification Process June 2021. Collection method: clinical testing. Allele origin: germline. Affected: yes.
Comment: Canonical splice site variant in a gene for which loss-of-function is not a known mechanism of disease; Not observed at significant frequency in large population cohorts (gnomAD); Has not been previously published as pathogenic or benign to our knowledge

NM_004958.4(MTOR):c.3286-2del

Gene: MTOR (mechanistic target of rapamycin kinase; minus strand). Cytogenetic location: 1p36.22.
Variant type: Deletion.
Coding change: c.3286-2del on transcript NM_004958.4 (MANE Select); the canonical splice acceptor site of the intron before coding-DNA position 3286, one base deleted (A; older notation c.3286-2delA).
Molecular consequence: splice acceptor variant.
Genome position (GRCh38, 1-based): chr1:11,212,910, T deleted on the plus strand (A on the coding strand, the reverse complement: MTOR is on the minus strand). VCF-style (leftmost placement, unchanged base first): chr1-11212909-CT-C. GRCh37 (hg19) VCF-style: chr1-11272966-CT-C.
Other names: c.2038-2del (NM_001386501.1); c.3286-2del (NM_001386500.1).
Identifiers: ClinVar variation 3372069 (VCV003372069.1).